The following is an entry in ClinVar:

NM_000059.4(BRCA2):c.1204G>A (p.Gly402Ser)

Gene: BRCA2 (BRCA2 DNA repair associated; plus strand). Cytogenetic location: 13q13.1.
Variant type: single nucleotide variant.
Coding change: c.1204G>A on transcript NM_000059.4 (MANE Select); coding-DNA position 1204, G replaced by A.
Protein change: p.Gly402Ser; replaces glycine 402 with serine.
Molecular consequence: missense variant.
Genome position (GRCh38, 1-based): chr13:32,332,682, G>A. VCF-style: chr13-32332682-G-A. GRCh37 (hg19) VCF-style: chr13-32906819-G-A.
Other names: c.1204G>A (NM_000059.3); short protein forms G402S.
Identifiers: ClinVar variation 1392504 (VCV001392504.10), dbSNP rs878853556, ClinGen allele CA387762069.
Genomic context (GRCh38, chr13:32,332,682, plus strand): 5'-AAAATCTCCAAGGAAGTTGTACCGTCTTTGGCCTGTGAATGGTCTCAACTAACCCTTTCA[G>A]GTCTAAATGGAGCCCAGATGGAGAAAATACCCCTATTGCATATTTCTTCATGTGACCAAA-3'
Protein context (NP_000050.3, residues 392-412): ACEWSQLTLS[Gly402Ser]LNGAQMEKIP

ClinVar aggregate classification (germline): Conflicting classifications of pathogenicity. Review status: criteria provided, conflicting classifications (1 of 4 stars). 3 submissions from 3 submitters: Uncertain significance (2); Likely benign (1). Last evaluated 2026-08-10.

Conditions:
Hereditary cancer-predisposing syndrome. Also called: Hereditary Cancer Syndrome; Neoplastic Syndromes, Hereditary; Hereditary neoplastic syndrome; Tumor predisposition. Identifiers: Orphanet 140162, MedGen C0027672, MeSH D009386, MONDO:0015356.
Hereditary breast ovarian cancer syndrome. Also called: Breast and ovarian cancer; Hereditary breast and ovarian cancer syndrome; Hereditary breast and ovarian cancer syndrome (HBOC); Hereditary breast and ovarian cancer; Hereditary breast and/or ovarian cancer syndrome; BRCA1- and BRCA2-Associated Hereditary Breast and Ovarian Cancer. Identifiers: Orphanet 145, MedGen C0677776, MeSH D061325, MONDO:0003582. Disease mechanism: loss of function.

Submissions (3):

Ambry Genetics
Classification: Uncertain significance for Hereditary cancer-predisposing syndrome. Last evaluated: 2026-08-10. Review status: criteria provided, single submitter. Criteria: Ambry Variant Classification Scheme 2023. Collection method: clinical testing. Allele origin: germline.
Comment: The p.G402S variant (also known as c.1204G>A), located in coding exon 9 of the BRCA2 gene, results from a G to A substitution at nucleotide position 1204. The glycine at codon 402 is replaced by serine, an amino acid with similar properties. This amino acid position is well conserved in available vertebrate species. In addition, this alteration is predicted to be tolerated by in silico analysis. Based on the available evidence, the clinical significance of this variant remains unclear.

University of Washington Department of Laboratory Medicine, University of Washington
Classification: Likely benign for Hereditary cancer-predisposing syndrome. Last evaluated: 2023-03-23. Review status: criteria provided, single submitter. Criteria: Dines et al. (Genet Med. 2020). Collection method: curation. Allele origin: germline.
Comment: Missense variant in a coldspot region where missense variants are very unlikely to be pathogenic (PMID:31911673).

BRCA2 exon 10 coldspot. Reclassification based on statistical prior probability.

Labcorp Genetics (formerly Invitae), Labcorp
Classification: Uncertain significance for Hereditary breast ovarian cancer syndrome. Last evaluated: 2022-09-23. Review status: criteria provided, single submitter. Criteria: Invitae Variant Classification Sherloc (09022015). Collection method: clinical testing. Allele origin: germline.
Comment: This sequence change replaces glycine, which is neutral and non-polar, with serine, which is neutral and polar, at codon 402 of the BRCA2 protein (p.Gly402Ser). This variant is not present in population databases (gnomAD no frequency). This variant has not been reported in the literature in individuals affected with BRCA2-related conditions. ClinVar contains an entry for this variant (Variation ID: 1392504). Advanced modeling of protein sequence and biophysical properties (such as structural, functional, and spatial information, amino acid conservation, physicochemical variation, residue mobility, and thermodynamic stability) performed at Invitae indicates that this missense variant is not expected to disrupt BRCA2 protein function. Algorithms developed to predict the effect of sequence changes on RNA splicing suggest that this variant may create or strengthen a splice site. In summary, the available evidence is currently insufficient to determine the role of this variant in disease. Therefore, it has been classified as a Variant of Uncertain Significance.